The following is an entry in ClinVar:

NM_021005.4(NR2F2):c.172G>C (p.Gly58Arg)

Gene: NR2F2 (nuclear receptor subfamily 2 group F member 2; plus strand). Cytogenetic location: 15q26.2.
Variant type: single nucleotide variant.
Coding change: c.172G>C on transcript NM_021005.4 (MANE Select); coding-DNA position 172, G replaced by C.
Protein change: p.Gly58Arg; replaces glycine 58 with arginine.
Molecular consequence: missense variant. On other transcripts: intron variant (1).
Genome position (GRCh38, 1-based): chr15:96,332,277, G>C. VCF-style: chr15-96332277-G-C. GRCh37 (hg19) VCF-style: chr15-96875506-G-C.
Other names: c.44-1799G>C (NM_001145155.2); short protein forms G58R.
Identifiers: ClinVar variation 989358 (VCV000989358.4), dbSNP rs775842693, ClinGen allele CA393929755.

ClinVar aggregate classification (germline): Uncertain significance (1 of 4 stars; one submission).

Conditions:
NR2F2-related congenital heart defects.

Submission:

Illumina Laboratory Services, Illumina
Classification: Uncertain significance for NR2F2-related congenital heart defects. Last evaluated: 2019-05-30. Review status: criteria provided, single submitter. Criteria: ICSLVariantClassificationCriteria RUGD 01 April 2020. Collection method: clinical testing. Allele origin: unknown.
Comment: The NR2F2 c.172G>C (p.Gly58Arg) variant is a missense variant. A literature search was performed for the gene, cDNA change, and amino acid change. No publications were found based on this search. The p.Gly58Arg variant is not found in the Genome Aggregation Database and is in a region of good sequence coverage, so the variant is presumed to be rare. Based on the limited evidence, the p.Gly58Arg variant is classified as a variant of uncertain significance for NR2F2-related congenital heart defects.